The following is an entry in ClinVar:

ClinVar aggregate classification (germline): Likely benign (0 of 4 stars; one submission).

Conditions:
QRICH1-related disorder. Also called: QRICH1-related condition.

Allele frequency attached by ClinVar (database versions not stated): gnomAD 0.00003; ExAC 0.00006; TOPMed 0.00006; ESP Exome Variant Server 0.00008.
gnomAD v4.1: 196 of 1,614,014 alleles (0.012%); highest among the groups gnomAD compares: Non-Finnish European, 0.016%; no homozygotes.

Submission:

PreventionGenetics, part of Exact Sciences
Classification: Likely benign for QRICH1-related condition. Last evaluated: 2024-02-20. Review status: no assertion criteria provided. Collection method: clinical testing. Allele origin: germline.
Comment: This variant is classified as likely benign based on ACMG/AMP sequence variant interpretation guidelines (Richards et al. 2015 PMID: 25741868, with internal and published modifications).

NM_198880.3(QRICH1):c.427G>A (p.Ala143Thr)

Gene: QRICH1 (glutamine rich 1; minus strand). Cytogenetic location: 3p21.31.
Variant type: single nucleotide variant.
Coding change: c.427G>A on transcript NM_198880.3 (MANE Select); coding-DNA position 427, G replaced by A.
Protein change: p.Ala143Thr; replaces alanine 143 with threonine.
Molecular consequence: missense variant.
Genome position (GRCh38, 1-based): chr3:49,057,773, C>T on the plus strand (G>A on the coding strand, the complement: QRICH1 is on the minus strand). VCF-style: chr3-49057773-C-T. GRCh37 (hg19) VCF-style: chr3-49095206-C-T.
Other names: c.427G>A, p.Ala143Thr (NM_001320580.2, NM_001320581.2, NM_001320582.2 and 4 more transcripts); short protein forms A143T.
Identifiers: ClinVar variation 3047736 (VCV003047736.2), dbSNP rs374919403, ClinGen allele CA2391335.